The following is an entry in ClinVar:

NM_001034853.2(RPGR):c.35del (p.Gly12fs)

Gene: RPGR (retinitis pigmentosa GTPase regulator; minus strand). Cytogenetic location: Xp11.4.
Variant type: Deletion.
Coding change: c.35del on transcript NM_001034853.2 (MANE Select); coding-DNA position 35, one base deleted (G; older notation c.35delG).
Protein change: p.Gly12fs; shifts the reading frame from glycine 12.
Molecular consequence: frameshift variant. On other transcripts: non-coding transcript variant (6).
Genome position (GRCh38, 1-based): chrX:38,323,518, C deleted on the plus strand (G on the coding strand, the reverse complement: RPGR is on the minus strand); the first of 3 consecutive C bases (chrX:38,323,518-38,323,520); deleting any one gives the same sequence. VCF-style (leftmost placement, unchanged base first): chrX-38323517-AC-A. GRCh37 (hg19) VCF-style: chrX-38182770-AC-A.
Other names: NM_001034853.2:c.35del; c.35del, p.Gly12fs (NM_000328.3, NM_001367245.1, NM_001367246.1 and 4 more transcripts); c.65del, p.Gly22fs (NM_001367248.1); short protein forms G12fs, G22fs.
Identifiers: ClinVar variation 4082164 (VCV004082164.1).

ClinVar aggregate classification (germline): Likely pathogenic (3 of 4 stars; one submission).

Conditions:
RPGR-related retinopathy. Also called: RPGR retinopathy. Identifiers: MedGen CN305589, MONDO:0100437.

Submission:

ClinGen X-linked Inherited Retinal Disease Variant Curation Expert Panel, ClinGen
Classification: Likely pathogenic for RPGR-related retinopathy. Last evaluated: 2025-09-07. Review status: reviewed by expert panel. Criteria: ClinGen X LinkedIRD ACMG Specifications RPGR V1.0.0. Collection method: curation. Allele origin: germline. Inheritance: X-linked inheritance.
Comment: NM_001034853.2(RPGR):c.35del (p.Gly12ValfsTer?) is a frameshift variant due to a 1-nucleotide deletion that introduces a premature stop codon after 56 amino acids within exon 2 of 15, which is predicted to trigger nonsense-mediated decay (PVS1). This variant is absent from gnomAD v4.1.0 (PM2_Supporting). This variant has been reported in at least 1 proband, however, the available phenotypic details were not sufficient to meet one of the PS4 requirements of some functional vision impairment in affected males by age 30 years, and/or decreased or absent cone and/or rod electroretinogram responses (PMID: 12657579). In summary, this variant is classified as likely pathogenic for RPGR-related retinopathy based on the ClinGen X-linked Inherited Retinal Disease Expert Panel Specifications to the ACMG/AMP Variant Interpretation Guidelines for RPGR Version 1.0.0; PVS1 and PM2_Supporting.